The following is an entry in ClinVar:

NM_000383.4(AIRE):c.1466C>T (p.Ala489Val)

Gene: AIRE (autoimmune regulator; plus strand). Cytogenetic location: 21q22.3.
Variant type: single nucleotide variant.
Coding change: c.1466C>T on transcript NM_000383.4 (MANE Select); coding-DNA position 1466, C replaced by T.
Protein change: p.Ala489Val; replaces alanine 489 with valine.
Molecular consequence: missense variant.
Genome position (GRCh38, 1-based): chr21:44,294,466, C>T. VCF-style: chr21-44294466-C-T. GRCh37 (hg19) VCF-style: chr21-45714349-C-T.
Other names: short protein forms A489V.
Identifiers: ClinVar variation 1514555 (VCV001514555.6), dbSNP rs2146385893, ClinGen allele CA410425970.

ClinVar aggregate classification (germline): Uncertain significance (1 of 4 stars; one submission).

Conditions:
Polyglandular autoimmune syndrome, type 1 (APS1). Also called: Autoimmune polyendocrinopathy syndrome , type I, with or without reversible metaphyseal dysplasia; HYPOADRENOCORTICISM WITH HYPOPARATHYROIDISM AND SUPERFICIAL MONILIASIS; Whitaker syndrome; Autoimmune polyendocrinopathy syndrome, type I; Autoimmune polyendocrine syndrome type 1; PGA I. Identifiers: Orphanet 3453, MedGen C0085859, MONDO:0009411, OMIM 240300.

gnomAD v4.1: 1 of 1,555,750 alleles (0.000064%); no homozygotes.

Submission:

Labcorp Genetics (formerly Invitae), Labcorp
Classification: Uncertain significance for Polyglandular autoimmune syndrome, type 1. Last evaluated: 2022-11-01. Review status: criteria provided, single submitter. Criteria: Invitae Variant Classification Sherloc (09022015). Collection method: clinical testing. Allele origin: germline.
Comment: In summary, the available evidence is currently insufficient to determine the role of this variant in disease. Therefore, it has been classified as a Variant of Uncertain Significance. Advanced modeling of protein sequence and biophysical properties (such as structural, functional, and spatial information, amino acid conservation, physicochemical variation, residue mobility, and thermodynamic stability) performed at Invitae indicates that this missense variant is not expected to disrupt AIRE protein function. ClinVar contains an entry for this variant (Variation ID: 1514555). This variant has not been reported in the literature in individuals affected with AIRE-related conditions. This variant is not present in population databases (gnomAD no frequency). This sequence change replaces alanine, which is neutral and non-polar, with valine, which is neutral and non-polar, at codon 489 of the AIRE protein (p.Ala489Val).